The following is an entry in ClinVar:

NM_002295.6(RPSA):c.396G>T (p.Gln132His)

Gene: RPSA (ribosomal protein SA; plus strand). Cytogenetic location: 3p22.1.
Variant type: single nucleotide variant.
Coding change: c.396G>T on transcript NM_002295.6 (MANE Select); coding-DNA position 396, G replaced by T.
Protein change: p.Gln132His; replaces glutamine 132 with histidine.
Molecular consequence: missense variant.
Genome position (GRCh38, 1-based): chr3:39,410,897, G>T. VCF-style: chr3-39410897-G-T. GRCh37 (hg19) VCF-style: chr3-39452388-G-T.
Other names: c.411G>T, p.Gln137His (NM_001304288.2); short protein forms Q137H, Q132H.
Identifiers: ClinVar variation 4766199 (VCV004766199.1).
Genomic context (GRCh38, chr3:39,410,897, plus strand): 5'-CCAGGCAGCCTTCCGGGAGCCACGGCTTCTTGTGGTTACTGACCCCAGGGCTGACCACCA[G>T]CCTCTCACGGAGGCATCTTATGTTAACCTACCTACCATTGCGCTGTGTAACACAGATTCT-3'
Protein context (NP_002286.2, residues 122-142): LVVTDPRADH[Gln132His]PLTEASYVNL

ClinVar aggregate classification (germline): Uncertain significance (1 of 4 stars; one submission).

Submission:

Labcorp Genetics (formerly Invitae), Labcorp
Classification: Uncertain significance. Last evaluated: 2025-05-17. Review status: criteria provided, single submitter. Criteria: Invitae Variant Classification Sherloc (09022015). Collection method: clinical testing. Allele origin: germline.
Comment: This sequence change replaces glutamine, which is neutral and polar, with histidine, which is basic and polar, at codon 132 of the RPSA protein (p.Gln132His). This variant is not present in population databases (gnomAD no frequency). This variant has not been reported in the literature in individuals affected with RPSA-related conditions. Invitae Evidence Modeling of protein sequence and biophysical properties (such as structural, functional, and spatial information, amino acid conservation, physicochemical variation, residue mobility, and thermodynamic stability) indicates that this missense variant is expected to disrupt RPSA protein function with a positive predictive value of 80%. In summary, the available evidence is currently insufficient to determine the role of this variant in disease. Therefore, it has been classified as a Variant of Uncertain Significance.